The following is an entry in ClinVar:

NM_205861.3(DHDDS):c.425C>T (p.Thr142Met)

Gene: DHDDS (dehydrodolichyl diphosphate synthase subunit; plus strand). Cytogenetic location: 1p36.11.
Variant type: single nucleotide variant.
Coding change: c.425C>T on transcript NM_205861.3 (MANE Select); coding-DNA position 425, C replaced by T.
Protein change: p.Thr142Met; replaces threonine 142 with methionine.
Molecular consequence: missense variant. On other transcripts: intron variant (1).
Genome position (GRCh38, 1-based): chr1:26,446,417, C>T. VCF-style: chr1-26446417-C-T. GRCh37 (hg19) VCF-style: chr1-26772908-C-T.
Other names: c.425C>T, p.Thr142Met (NM_001243564.2, NM_024887.4); c.146C>T, p.Thr49Met (NM_001319959.2); c.324-1142C>T (NM_001243565.2); c.425C>T (NM_024887.3); short protein forms T49M, T142M.
Identifiers: ClinVar variation 1503881 (VCV001503881.9), dbSNP rs758751596, ClinGen allele CA705330.
Genomic context (GRCh38, chr1:26,446,417, plus strand): 5'-GCGATCTGCACTTGTTGCCCTTGGATCTCCAGGAGCTGATTGCACAAGCTGTACAGGCCA[C>T]GAAGAACTACAACAAGTAAGTTCTCAGATTTCCCTATAGGGAGCTGTTTCAATCTTTGAT-3'
Protein context (NP_995583.1, residues 132-152): QELIAQAVQA[Thr142Met]KNYNKCFLNV

ClinVar aggregate classification (germline): Uncertain significance. Review status: criteria provided, multiple submitters, no conflicts (2 of 4 stars). 3 submissions from 3 submitters: Uncertain significance (3). Last evaluated 2025-04-03.

Conditions:
Retinitis pigmentosa 59 (RP59). Identifiers: Orphanet 791, MedGen C3151227, MONDO:0013468, OMIM 613861.

Allele frequency attached by ClinVar (database versions not stated): gnomAD exomes below 0.00001 and 0.00001; ExAC 0.00001.
gnomAD v4.1: 4 of 1,613,660 alleles (0.00025%); highest among the groups gnomAD compares: Admixed American, 0.0033%; no homozygotes.

Submissions (3):

Women's Health and Genetics/Laboratory Corporation of America, LabCorp
Classification: Uncertain significance. Last evaluated: 2025-04-03. Review status: criteria provided, single submitter. Criteria: LabCorp Variant Classification Summary - May 2015. Collection method: clinical testing. Allele origin: germline.
Comment: Variant summary: DHDDS c.425C>T (p.Thr142Met) results in a non-conservative amino acid change in the encoded protein sequence. Five of five in-silico tools predict a damaging effect of the variant on protein function. The variant allele was found at a frequency of 1.2e-05 in 251484 control chromosomes. The available data on variant occurrences in the general population are insufficient to allow any conclusion about variant significance. c.425C>T has been reported in the literature in an individual affected with infantile- onset epilepsy and severe global developmental delay and the variant was reported as de novo - homozygous (Gazeteci _2024). These data do not allow any conclusion about variant significance. To our knowledge, no experimental evidence demonstrating an impact on protein function has been reported. The following publication has been ascertained in the context of this evaluation (PMID: 38451541). ClinVar contains an entry for this variant (Variation ID: 1503881). Based on the evidence outlined above, the variant was classified as uncertain significance.

GeneDx
Classification: Uncertain significance. Last evaluated: 2024-12-22. Review status: criteria provided, single submitter. Criteria: GeneDx Variant Classification Process June 2021. Collection method: clinical testing. Allele origin: germline. Affected: yes.
Comment: Not observed at significant frequency in large population cohorts (gnomAD); In silico analysis supports that this missense variant has a deleterious effect on protein structure/function; Reported in apparent homozygous state in a patient with infantile onset epilepsy and severe global developmental delay in the literature; parents tested negative for the variant (PMID: 38451541); This variant is associated with the following publications: (PMID: 38451541)

Labcorp Genetics (formerly Invitae), Labcorp
Classification: Uncertain significance for Retinitis pigmentosa 59. Last evaluated: 2024-08-28. Review status: criteria provided, single submitter. Criteria: Invitae Variant Classification Sherloc (09022015). Collection method: clinical testing. Allele origin: germline.
Comment: This sequence change replaces threonine, which is neutral and polar, with methionine, which is neutral and non-polar, at codon 142 of the DHDDS protein (p.Thr142Met). This variant is present in population databases (rs758751596, gnomAD 0.009%). This variant has not been reported in the literature in individuals affected with DHDDS-related conditions. ClinVar contains an entry for this variant (Variation ID: 1503881). Invitae Evidence Modeling of protein sequence and biophysical properties (such as structural, functional, and spatial information, amino acid conservation, physicochemical variation, residue mobility, and thermodynamic stability) indicates that this missense variant is not expected to disrupt DHDDS protein function with a negative predictive value of 80%. In summary, the available evidence is currently insufficient to determine the role of this variant in disease. Therefore, it has been classified as a Variant of Uncertain Significance.

Literature cited by the submitters: PubMed 38451541 (cited by Women's Health and Genetics/Laboratory Corporation of America, LabCorp).